The following is an entry in ClinVar:

NM_006186.4(NR4A2):c.-3+1G>A

Gene: NR4A2 (nuclear receptor subfamily 4 group A member 2; minus strand). Cytogenetic location: 2q24.1.
Variant type: single nucleotide variant.
Coding change: c.-3+1G>A on transcript NM_006186.4 (MANE Select); the canonical splice donor site of the intron after 3 bases upstream of the start codon, G replaced by A.
Molecular consequence: splice donor variant.
Genome position (GRCh38, 1-based): chr2:156,330,667, C>T on the plus strand (G>A on the coding strand, the complement: NR4A2 is on the minus strand). VCF-style: chr2-156330667-C-T. GRCh37 (hg19) VCF-style: chr2-157187179-C-T.
Other names: c.-14+1G>A (NM_173173.3).
Identifiers: ClinVar variation 3359316 (VCV003359316.2).
Genomic context (GRCh38, chr2:156,330,667, plus strand): 5'-CCTGTTTCTTGATGTTTGGGGAGCTCTGGAGAGTAAAGGAAAGAAATGAAGTTGCACTAA[C>T]CTTCAGCCGAGTTACAGGCGTTTTCGAGGAAATTAAAGGTGGACAGTGTCGTAATTCAAT-3'

ClinVar aggregate classification (germline): Uncertain significance (1 of 4 stars; one submission).

Submission:

GeneDx
Classification: Uncertain significance. Last evaluated: 2026-01-28. Review status: criteria provided, single submitter. Criteria: GeneDx Variant Classification Process June 2021. Collection method: clinical testing. Allele origin: germline.
Comment: Has not been previously published as pathogenic or benign to our knowledge; In silico analysis supports a deleterious effect on splicing; Located in a regulatory region; in the absence of functional studies, the actual effect of this sequence change is unknown